The following is an entry in ClinVar:

ClinVar aggregate classification (germline): Likely benign. Review status: reviewed by expert panel (3 of 4 stars). 3 submissions from 3 submitters: Likely benign (1). 2 of the submissions do not count toward it. Last evaluated 2017-06-29.

Conditions:
Hereditary cancer-predisposing syndrome. Also called: Hereditary neoplastic syndrome; Hereditary Cancer Syndrome; Neoplastic Syndromes, Hereditary; Tumor predisposition. Identifiers: Orphanet 140162, MedGen C0027672, MeSH D009386, MONDO:0015356.
Breast-ovarian cancer, familial, susceptibility to, 2 (BROVCA2). Also called: BRCA2 Hereditary Breast and Ovarian Cancer. Identifiers: Orphanet 145, MedGen C2675520, MONDO:0012933, OMIM 612555. Disease mechanism: loss of function.
Hereditary breast ovarian cancer syndrome. Also called: Hereditary breast and ovarian cancer syndrome; BRCA1- and BRCA2-Associated Hereditary Breast and Ovarian Cancer; Hereditary breast and/or ovarian cancer syndrome; Hereditary breast and ovarian cancer; Breast and ovarian cancer; Hereditary breast and ovarian cancer syndrome (HBOC). Identifiers: Orphanet 145, MedGen C0677776, MeSH D061325, MONDO:0003582. Disease mechanism: loss of function.

gnomAD v4.1: 2 of 1,614,070 alleles (0.00012%); highest among the groups gnomAD compares: Non-Finnish European, 0.00017%; no homozygotes.

Submissions (3):

Evidence-based Network for the Interpretation of Germline Mutant Alleles (ENIGMA)
Classification: Likely benign for Breast-ovarian cancer, familial, susceptibility to, 2. Last evaluated: 2017-06-29. Review status: reviewed by expert panel. Criteria: ENIGMA BRCA1/2 Classification Criteria (2017-06-29). Collection method: curation. Allele origin: germline.
Comment: Synonymous substitution variant, with low bioinformatic likelihood to result in a splicing aberration (Splicing prior probability 0.02).

Labcorp Genetics (formerly Invitae), Labcorp
Classification: Likely benign for Hereditary breast ovarian cancer syndrome. Last evaluated: 2025-03-31. Review status: criteria provided, single submitter. Criteria: Invitae Variant Classification Sherloc (09022015). Collection method: clinical testing. Allele origin: germline. Not counted in ClinVar's aggregate classification.

Ambry Genetics
Classification: Likely benign for Hereditary cancer-predisposing syndrome. Last evaluated: 2023-10-19. Review status: criteria provided, single submitter. Criteria: Ambry Variant Classification Scheme 2023. Collection method: clinical testing. Allele origin: germline. Not counted in ClinVar's aggregate classification.

NM_000059.4(BRCA2):c.8584C>T (p.Leu2862=)

Gene: BRCA2 (BRCA2 DNA repair associated; plus strand). Cytogenetic location: 13q13.1.
Variant type: single nucleotide variant.
Coding change: c.8584C>T on transcript NM_000059.4 (MANE Select); coding-DNA position 8584, C replaced by T.
Protein change: p.Leu2862=; no amino-acid change (leucine 2862 retained).
Molecular consequence: synonymous variant.
Genome position (GRCh38, 1-based): chr13:32,371,052, C>T. VCF-style: chr13-32371052-C-T. GRCh37 (hg19) VCF-style: chr13-32945189-C-T.
Identifiers: ClinVar variation 427383 (VCV000427383.15), dbSNP rs1131692114, ClinGen allele CA483261537.